The following is an entry in ClinVar:

ClinVar aggregate classification (germline): Likely benign (1 of 4 stars; one submission).

gnomAD v4.1: 6 of 1,614,240 alleles (0.00037%); highest among the groups gnomAD compares: Non-Finnish European, 0.00051%; no homozygotes.

Submission:

CeGaT Center for Human Genetics Tuebingen
Classification: Likely benign. Last evaluated: 2025-06-01. Review status: criteria provided, single submitter. Criteria: CeGaT Center For Human Genetics Tuebingen Variant Classification Criteria Version 2. Collection method: clinical testing. Allele origin: germline. Affected: yes. Observed: 1 variant allele.
Comment: ARHGAP31: BP4

NM_020754.4(ARHGAP31):c.2479A>G (p.Ser827Gly)

Gene: ARHGAP31 (Rho GTPase activating protein 31; plus strand). Cytogenetic location: 3q13.33.
Variant type: single nucleotide variant.
Coding change: c.2479A>G on transcript NM_020754.4 (MANE Select); coding-DNA position 2479, A replaced by G.
Protein change: p.Ser827Gly; replaces serine 827 with glycine.
Molecular consequence: missense variant.
Genome position (GRCh38, 1-based): chr3:119,414,408, A>G. VCF-style: chr3-119414408-A-G. GRCh37 (hg19) VCF-style: chr3-119133255-A-G.
Other names: short protein forms S827G.
Identifiers: ClinVar variation 4084567 (VCV004084567.8).